The following is an entry in ClinVar:

ClinVar aggregate classification (germline): Likely benign (1 of 4 stars; one submission).

gnomAD v4.1: 84 of 1,614,164 alleles (0.0052%); highest among the groups gnomAD compares: African/African-American, 0.061%; no homozygotes.

Submission:

CeGaT Center for Human Genetics Tuebingen
Classification: Likely benign. Last evaluated: 2024-10-01. Review status: criteria provided, single submitter. Criteria: CeGaT Center For Human Genetics Tuebingen Variant Classification Criteria Version 2. Collection method: clinical testing. Allele origin: germline. Affected: yes. Observed: 1 variant allele.
Comment: NFASC: BP4, BP7

NM_001005388.3(NFASC):c.759G>A (p.Ala253=)

Gene: NFASC (neurofascin; plus strand). Cytogenetic location: 1q32.1.
Variant type: single nucleotide variant.
Coding change: c.759G>A on transcript NM_001005388.3 (MANE Select); coding-DNA position 759, G replaced by A.
Protein change: p.Ala253=; no amino-acid change (alanine 253 retained).
Molecular consequence: synonymous variant. On other transcripts: non-coding transcript variant (1).
Genome position (GRCh38, 1-based): chr1:204,968,301, G>A. VCF-style: chr1-204968301-G-A. GRCh37 (hg19) VCF-style: chr1-204937429-G-A.
Other names: c.759G>A, p.Ala253= (NM_001005389.2, NM_001378329.1); c.792G>A, p.Ala264= (NM_001160331.2, NM_001160332.2, NM_001365986.1 and 3 more transcripts); c.741G>A, p.Ala247= (NM_001160333.2).
Identifiers: ClinVar variation 3388182 (VCV003388182.14).